The following is an entry in ClinVar:

ClinVar aggregate classification (germline): Likely benign. Review status: criteria provided, multiple submitters, no conflicts (2 of 4 stars). 4 submissions from 4 submitters: Likely benign (4). Last evaluated 2025-02-06.

Conditions:
Charcot-Marie-Tooth Neuropathy X. Identifiers: MedGen CN118851.
Combined oxidative phosphorylation deficiency. Identifiers: MedGen C4540031, MONDO:0000732.
Inborn genetic diseases. Identifiers: MedGen C0950123, MeSH D030342.

Allele frequency attached by ClinVar (database versions not stated): gnomAD 0.00001; TOPMed 0.00001; gnomAD exomes 0.00005 and 0.00008; ExAC 0.00013.
gnomAD v4.1: 59 of 1,209,346 alleles (0.0049%); highest among the groups gnomAD compares: Middle Eastern, 0.16%; 1 homozygote.

Submissions (4):

Labcorp Genetics (formerly Invitae), Labcorp
Classification: Likely benign for Charcot-Marie-Tooth Neuropathy X; Combined oxidative phosphorylation deficiency. Last evaluated: 2025-02-06. Review status: criteria provided, single submitter. Criteria: Invitae Variant Classification Sherloc (09022015). Collection method: clinical testing. Allele origin: germline.

Blueprint Genetics
Classification: Likely benign. Last evaluated: 2024-11-07. Review status: criteria provided, single submitter. Criteria: ACMG Guidelines, 2015. Collection method: clinical testing. Allele origin: germline.

CeGaT Center for Human Genetics Tuebingen
Classification: Likely benign. Last evaluated: 2023-10-01. Review status: criteria provided, single submitter. Criteria: CeGaT Center For Human Genetics Tuebingen Variant Classification Criteria Version 2. Collection method: clinical testing. Allele origin: germline. Affected: yes. Observed: 1 variant allele.
Comment: AIFM1: BP4, BS2

Ambry Genetics
Classification: Likely benign for Inborn genetic diseases. Last evaluated: 2022-06-21. Review status: criteria provided, single submitter. Criteria: Ambry Variant Classification Scheme 2023. Collection method: clinical testing. Allele origin: germline.

NM_004208.4(AIFM1):c.287A>G (p.Asn96Ser)

Genes: AIFM1 (apoptosis inducing factor mitochondria associated 1; minus strand), RAB33A (RAB33A, member RAS oncogene family; plus strand). Cytogenetic location: Xq26.1.
Variant type: single nucleotide variant.
Coding change: c.287A>G on transcript NM_004208.4 (MANE Select); coding-DNA position 287, A replaced by G.
Protein change: p.Asn96Ser; replaces asparagine 96 with serine.
Molecular consequence: missense variant. On other transcripts: non-coding transcript variant (1).
Genome position (GRCh38, 1-based): chrX:130,149,531, T>C on the plus strand (A>G on the coding strand, the complement: AIFM1 is on the minus strand). VCF-style: chrX-130149531-T-C. GRCh37 (hg19) VCF-style: chrX-129283506-T-C.
Other names: c.287A>G, p.Asn96Ser (NM_001130847.4); c.275A>G, p.Asn92Ser (NM_145812.3); short protein forms N96S, N92S.
Identifiers: ClinVar variation 239688 (VCV000239688.38), dbSNP rs764149793, ClinGen allele CA10515475.